The following is an entry in ClinVar:

ClinVar aggregate classification (germline): Uncertain significance (1 of 4 stars; one submission).

Conditions:
Renal cell carcinoma. Identifiers: Orphanet 217071, MedGen C0007134, MeSH D002292, MONDO:0005086, HP:0005584.

Submission:

Labcorp Genetics (formerly Invitae), Labcorp
Classification: Uncertain significance for Renal cell carcinoma. Last evaluated: 2023-01-06. Review status: criteria provided, single submitter. Criteria: Invitae Variant Classification Sherloc (09022015). Collection method: clinical testing. Allele origin: germline.
Comment: This variant is not present in population databases (gnomAD no frequency). In summary, the available evidence is currently insufficient to determine the role of this variant in disease. Therefore, it has been classified as a Variant of Uncertain Significance. Advanced modeling of protein sequence and biophysical properties (such as structural, functional, and spatial information, amino acid conservation, physicochemical variation, residue mobility, and thermodynamic stability) performed at Invitae indicates that this missense variant is expected to disrupt MET protein function. This variant has not been reported in the literature in individuals affected with MET-related conditions. This sequence change replaces cysteine, which is neutral and slightly polar, with tyrosine, which is neutral and polar, at codon 409 of the MET protein (p.Cys409Tyr).

NM_000245.4(MET):c.1226G>A (p.Cys409Tyr)

Gene: MET (MET proto-oncogene, receptor tyrosine kinase; plus strand). Cytogenetic location: 7q31.2.
Variant type: single nucleotide variant.
Coding change: c.1226G>A on transcript NM_000245.4 (MANE Select); coding-DNA position 1226, G replaced by A.
Protein change: p.Cys409Tyr; replaces cysteine 409 with tyrosine.
Molecular consequence: missense variant. On other transcripts: 5 prime UTR variant (1).
Genome position (GRCh38, 1-based): chr7:116,731,693, G>A. VCF-style: chr7-116731693-G-A. GRCh37 (hg19) VCF-style: chr7-116371747-G-A.
Other names: c.1226G>A, p.Cys409Tyr (NM_001127500.3, NM_001324401.3); c.-65G>A (NM_001324402.2); short protein forms C409Y.
Identifiers: ClinVar variation 3012649 (VCV003012649.3), dbSNP rs2116779792, ClinGen allele CA368972723.